The following is an entry in ClinVar:

ClinVar aggregate classification (germline): Uncertain significance. Review status: criteria provided, multiple submitters, no conflicts (2 of 4 stars). 2 submissions from 2 submitters: Uncertain significance (2). Last evaluated 2026-06-07.

Conditions:
ALPI-related disorder. Also called: ALPI-related condition.

gnomAD v4.1: 28 of 1,613,896 alleles (0.0017%); highest among the groups gnomAD compares: African/African-American, 0.012%; no homozygotes.

Submissions (2):

PreventionGenetics, part of Exact Sciences
Classification: Uncertain significance for ALPI-related condition. Last evaluated: 2026-06-07. Review status: criteria provided, single submitter. Criteria: ACMG Guidelines, 2015. Collection method: clinical testing. Allele origin: germline.
Comment: The ALPI c.806G>A variant is predicted to result in the amino acid substitution p.Arg269His. To our knowledge, this variant has not been reported in the literature. This variant is reported in 0.0040% of alleles in individuals of African descent in gnomAD. At this time, the clinical significance of this variant is uncertain due to the absence of conclusive functional and genetic evidence.

Ambry Genetics
Classification: Uncertain significance. Last evaluated: 2024-10-20. Review status: criteria provided, single submitter. Criteria: Ambry Variant Classification Scheme 2023. Collection method: clinical testing. Allele origin: germline.

NM_001631.5(ALPI):c.806G>A (p.Arg269His)

Gene: ALPI (alkaline phosphatase, intestinal; plus strand). Cytogenetic location: 2q37.1.
Variant type: single nucleotide variant.
Coding change: c.806G>A on transcript NM_001631.5 (MANE Select); coding-DNA position 806, G replaced by A.
Protein change: p.Arg269His; replaces arginine 269 with histidine.
Molecular consequence: missense variant.
Genome position (GRCh38, 1-based): chr2:232,457,817, G>A. VCF-style: chr2-232457817-G-A. GRCh37 (hg19) VCF-style: chr2-233322527-G-A.
Other names: c.806G>A (NM_001631.4); short protein forms R269H.
Identifiers: ClinVar variation 3528394 (VCV003528394.2).